The following is an entry in ClinVar:

NM_003331.5(TYK2):c.3200+3G>A

Gene: TYK2 (tyrosine kinase 2; minus strand). Cytogenetic location: 19p13.2.
Variant type: single nucleotide variant.
Coding change: c.3200+3G>A on transcript NM_003331.5 (MANE Select); 3 bases into the intron after coding-DNA position 3200, G replaced by A.
Molecular consequence: intron variant.
Genome position (GRCh38, 1-based): chr19:10,352,923, C>T on the plus strand (G>A on the coding strand, the complement: TYK2 is on the minus strand). VCF-style: chr19-10352923-C-T. GRCh37 (hg19) VCF-style: chr19-10463599-C-T.
Other names: c.3200+3G>A (LRG_121t1).
Identifiers: ClinVar variation 509210 (VCV000509210.19), dbSNP rs143533630, ClinGen allele CA9192813.

ClinVar aggregate classification (germline): Benign/Likely benign. Review status: criteria provided, multiple submitters, no conflicts (2 of 4 stars). 4 submissions from 4 submitters: Benign (1); Likely benign (3). Last evaluated 2025-12-19.

Conditions:
Immunodeficiency 35 (IMD35). Also called: TYK2 DEFICIENCY; HIES WITH ATYPICAL MYCOBACTERIOSIS, AUTOSOMAL RECESSIVE; HYPER-IgE SYNDROME WITH ATYPICAL MYCOBACTERIOSIS, AUTOSOMAL RECESSIVE; Susceptibility to infection due to TYK2 deficiency. Identifiers: Orphanet 331226, MedGen C1969086, MONDO:0012682, OMIM 611521.

Allele frequency attached by ClinVar (database versions not stated): gnomAD 0.00011 and 0.00028; TOPMed 0.00020; ESP Exome Variant Server 0.00031; gnomAD exomes 0.00061 and 0.00116; ExAC 0.00138; 1000 Genomes Project 0.00140; 1000 Genomes Project 30x 0.00156.
gnomAD v4.1: 942 of 1,605,776 alleles (0.059%); highest among the groups gnomAD compares: South Asian, 0.77%; 13 homozygotes.

Submissions (4):

Labcorp Genetics (formerly Invitae), Labcorp
Classification: Benign for Immunodeficiency 35. Last evaluated: 2025-12-19. Review status: criteria provided, single submitter. Criteria: Invitae Variant Classification Sherloc (09022015). Collection method: clinical testing. Allele origin: germline.

Blueprint Genetics
Classification: Likely benign. Last evaluated: 2024-09-25. Review status: criteria provided, single submitter. Criteria: ACMG Guidelines, 2015. Collection method: clinical testing. Allele origin: germline.

GeneDx
Classification: Likely benign. Last evaluated: 2018-04-24. Review status: criteria provided, single submitter. Criteria: GeneDx Variant Classification Process June 2021. Collection method: clinical testing. Allele origin: germline. Affected: yes.

Illumina Laboratory Services, Illumina
Classification: Likely benign for Immunodeficiency 35. Last evaluated: 2018-01-13. Review status: criteria provided, single submitter. Criteria: ICSL Variant Classification Criteria 13 December 2019. Collection method: clinical testing. Allele origin: germline.
Comment: This variant was observed in the ICSL laboratory as part of a predisposition screen in an ostensibly healthy population. It had not been previously curated by ICSL or reported in the Human Gene Mutation Database (HGMD: prior to June 1st, 2018), and was therefore a candidate for classification through an automated scoring system. Utilizing variant allele frequency, disease prevalence and penetrance estimates, and inheritance mode, an automated score was calculated to assess if this variant is too frequent to cause the disease. Based on the score and internal cut-off values, a variant classified as likely benign is not then subjected to further curation. The score for this variant resulted in a classification of likely benign for this disease.